The following is an entry in ClinVar:

NM_000059.4(BRCA2):c.4747A>G (p.Ile1583Val)

Gene: BRCA2 (BRCA2 DNA repair associated; plus strand). Cytogenetic location: 13q13.1.
Variant type: single nucleotide variant.
Coding change: c.4747A>G on transcript NM_000059.4 (MANE Select); coding-DNA position 4747, A replaced by G.
Protein change: p.Ile1583Val; replaces isoleucine 1583 with valine.
Molecular consequence: missense variant.
Genome position (GRCh38, 1-based): chr13:32,339,102, A>G. VCF-style: chr13-32339102-A-G. GRCh37 (hg19) VCF-style: chr13-32913239-A-G.
Other names: short protein forms I1583V.
Identifiers: ClinVar variation 231607 (VCV000231607.22), dbSNP rs56072130, ClinGen allele CA10579629.

ClinVar aggregate classification (germline): Conflicting classifications of pathogenicity. Review status: criteria provided, conflicting classifications (1 of 4 stars). 8 submissions from 8 submitters: Uncertain significance (3); Likely benign (5). Last evaluated 2025-12-13.

Conditions:
Hereditary cancer-predisposing syndrome. Also called: Hereditary Cancer Syndrome; Neoplastic Syndromes, Hereditary; Tumor predisposition; Hereditary neoplastic syndrome. Identifiers: Orphanet 140162, MedGen C0027672, MeSH D009386, MONDO:0015356.
Breast-ovarian cancer, familial, susceptibility to, 2 (BROVCA2). Also called: BRCA2 Hereditary Breast and Ovarian Cancer. Identifiers: Orphanet 145, MedGen C2675520, MONDO:0012933, OMIM 612555. Disease mechanism: loss of function.
Hereditary breast ovarian cancer syndrome. Also called: Hereditary breast and/or ovarian cancer syndrome; BRCA1- and BRCA2-Associated Hereditary Breast and Ovarian Cancer; Hereditary breast and ovarian cancer syndrome (HBOC); Hereditary breast and ovarian cancer; Hereditary breast and ovarian cancer syndrome; Breast and ovarian cancer. Identifiers: Orphanet 145, MedGen C0677776, MeSH D061325, MONDO:0003582. Disease mechanism: loss of function.

Allele frequency attached by ClinVar (database versions not stated): TOPMed below 0.00001; gnomAD 0.00001; ESP Exome Variant Server 0.00008.
gnomAD v4.1: 5 of 1,613,920 alleles (0.00031%); highest among the groups gnomAD compares: African/African-American, 0.0053%; no homozygotes.

Submissions (8):

Labcorp Genetics (formerly Invitae), Labcorp
Classification: Uncertain significance for Hereditary breast ovarian cancer syndrome. Last evaluated: 2025-12-13. Review status: criteria provided, single submitter. Criteria: Invitae Variant Classification Sherloc (09022015). Collection method: clinical testing. Allele origin: germline.
Comment: This sequence change replaces isoleucine, which is neutral and non-polar, with valine, which is neutral and non-polar, at codon 1583 of the BRCA2 protein (p.Ile1583Val). This variant is not present in population databases (gnomAD no frequency). This missense change has been observed in individual(s) with clinical features of BRCA2-related conditions (PMID: 27062684). ClinVar contains an entry for this variant (Variation ID: 231607). Invitae Evidence Modeling of protein sequence and biophysical properties (such as structural, functional, and spatial information, amino acid conservation, physicochemical variation, residue mobility, and thermodynamic stability) indicates that this missense variant is not expected to disrupt BRCA2 protein function with a negative predictive value of 95%. In summary, the available evidence is currently insufficient to determine the role of this variant in disease. Therefore, it has been classified as a Variant of Uncertain Significance.

Women's Health and Genetics/Laboratory Corporation of America, LabCorp
Classification: Uncertain significance. Last evaluated: 2025-08-12. Review status: criteria provided, single submitter. Criteria: LabCorp Variant Classification Summary - May 2015. Collection method: clinical testing. Allele origin: germline.
Comment: Variant summary: BRCA2 c.4747A>G (p.Ile1583Val) results in a conservative amino acid change in the encoded protein sequence. Algorithms developed to predict the effect of missense changes on protein structure and function all suggest that this variant is likely to be tolerated. The variant was absent in 250986 control chromosomes. The available data on variant occurrences in the general population are insufficient to allow any conclusion about variant significance. c.4747A>G has been observed in individual(s) affected with Hereditary Breast And Ovarian Cancer Syndrome (Azzollini_2016). These report(s) do not provide unequivocal conclusions about association of the variant with Hereditary Breast And Ovarian Cancer Syndrome. To our knowledge, no experimental evidence demonstrating an impact on protein function has been reported. The following publication have been ascertained in the context of this evaluation (PMID: 27062684). ClinVar contains an entry for this variant (Variation ID: 231607). Based on the evidence outlined above, the variant was classified as uncertain significance.

Quest Diagnostics Nichols Institute San Juan Capistrano
Classification: Uncertain significance. Last evaluated: 2025-03-25. Review status: criteria provided, single submitter. Criteria: Quest Diagnostics criteria. Collection method: clinical testing. Allele origin: unknown.
Comment: The BRCA2 c.4747A>G (p.Ile1583Val) variant has been reported in the published literature in an individual with breast/ovarian cancer (PMID: 27062684 (2026)), in a prostate cancer cohort (PMID: 36922933 (2022)), and described to be located in a region of the BRCA2 gene that is tolerant to missense sequence changes (PMID: 31911673 (2020)). The frequency of this variant in the general population (Genome Aggregation Database) is uninformative in the assessment of its pathogenicity. Analysis of this variant using bioinformatics tools for the prediction of the effect of amino acid changes on protein structure and function yielded predictions that this variant is benign. Based on the available information, we are unable to determine the clinical significance of this variant.

All of Us Research Program, National Institutes of Health
Classification: Likely benign for Breast-ovarian cancer, familial, susceptibility to, 2. Last evaluated: 2023-05-31. Review status: criteria provided, single submitter. Criteria: ACMG Guidelines, 2015. Collection method: clinical testing. Allele origin: germline. Inheritance: Autosomal dominant inheritance. Observed: 2 variant alleles, 2 heterozygotes.
Comment: This study involves interpretation of variants in research participants for the purpose of population health screening. Participant phenotype was not available at the time of variant classification. Additional details can be found in publication PMID: 35346344, PMCID: PMC8962531

University of Washington Department of Laboratory Medicine, University of Washington
Classification: Likely benign for Hereditary cancer-predisposing syndrome. Last evaluated: 2023-03-23. Review status: criteria provided, single submitter. Criteria: Dines et al. (Genet Med. 2020). Collection method: curation. Allele origin: germline.
Comment: Missense variant in a coldspot region where missense variants are very unlikely to be pathogenic (PMID:31911673).

BRCA2 exon 11 coldspot. Reclassification based on statistical prior probability.

Ambry Genetics
Classification: Likely benign for Hereditary cancer-predisposing syndrome. Last evaluated: 2019-04-17. Review status: criteria provided, single submitter. Criteria: Ambry Variant Classification Scheme 2023. Collection method: clinical testing. Allele origin: germline.

Color Diagnostics, LLC DBA Color Health
Classification: Likely benign for Hereditary cancer-predisposing syndrome. Last evaluated: 2017-10-29. Review status: criteria provided, single submitter. Criteria: ACMG Guidelines, 2015. Collection method: clinical testing. Allele origin: germline.

GeneDx
Classification: Likely benign. Last evaluated: 2016-06-10. Review status: criteria provided, single submitter. Criteria: GeneDx Variant Classification (06012015). Collection method: clinical testing. Allele origin: germline. Affected: yes.
Comment: This variant is considered likely benign or benign based on one or more of the following criteria: it is a conservative change, it occurs at a poorly conserved position in the protein, it is predicted to be benign by multiple in silico algorithms, and/or has population frequency not consistent with disease.

Literature cited by the submitters: PubMed 27062684 (cited by 3 submitters); PubMed 25348012 (cited by Quest Diagnostics Nichols Institute San Juan Capistrano); PubMed 31911673 (cited by Quest Diagnostics Nichols Institute San Juan Capistrano); PubMed 36922933 (cited by Quest Diagnostics Nichols Institute San Juan Capistrano); PubMed 35729312 (cited by Quest Diagnostics Nichols Institute San Juan Capistrano).